The following is an entry in ClinVar:

ClinVar aggregate classification (germline): Uncertain significance. Review status: criteria provided, single submitter (1 of 4 stars). 2 submissions from 2 submitters: Uncertain significance (1). 1 of the submissions does not count toward it. Last evaluated 2022-04-08.

Conditions:
Bardet-Biedl syndrome (BBS). Identifiers: Orphanet 110, MedGen C0752166, MONDO:0015229.
TRIM32-related disorder. Also called: TRIM32-related condition.

Allele frequency attached by ClinVar (database versions not stated): TOPMed below 0.00001; gnomAD 0.00001; ExAC 0.00002; gnomAD exomes 0.00002.
gnomAD v4.1: 27 of 1,613,978 alleles (0.0017%); highest among the groups gnomAD compares: South Asian, 0.0088%; no homozygotes.

Submissions (2):

Labcorp Genetics (formerly Invitae), Labcorp
Classification: Uncertain significance for Bardet-Biedl syndrome. Last evaluated: 2022-04-08. Review status: criteria provided, single submitter. Criteria: Invitae Variant Classification Sherloc (09022015). Collection method: clinical testing. Allele origin: germline.
Comment: This sequence change replaces arginine, which is basic and polar, with glutamine, which is neutral and polar, at codon 113 of the TRIM32 protein (p.Arg113Gln). This variant is present in population databases (rs766267880, gnomAD 0.006%). This variant has not been reported in the literature in individuals affected with TRIM32-related conditions. Algorithms developed to predict the effect of missense changes on protein structure and function output the following: SIFT: "Tolerated"; PolyPhen-2: "Benign"; Align-GVGD: "Class C0". The glutamine amino acid residue is found in multiple mammalian species, which suggests that this missense change does not adversely affect protein function. Algorithms developed to predict the effect of sequence changes on RNA splicing suggest that this variant may create or strengthen a splice site. In summary, the available evidence is currently insufficient to determine the role of this variant in disease. Therefore, it has been classified as a Variant of Uncertain Significance.

PreventionGenetics, part of Exact Sciences
Classification: Uncertain significance for TRIM32-related condition. Last evaluated: 2023-12-19. Review status: no assertion criteria provided. Collection method: clinical testing. Allele origin: germline. Not counted in ClinVar's aggregate classification.
Comment: The TRIM32 c.338G>A variant is predicted to result in the amino acid substitution p.Arg113Gln. To our knowledge, this variant has not been reported in the literature. This variant is reported in 0.0065% of alleles in individuals of South Asian descent in gnomAD. At this time, the clinical significance of this variant is uncertain due to the absence of conclusive functional and genetic evidence.

NM_012210.4(TRIM32):c.338G>A (p.Arg113Gln)

Genes: ASTN2 (astrotactin 2; minus strand), TRIM32 (tripartite motif containing 32; plus strand). Cytogenetic location: 9q33.1.
Variant type: single nucleotide variant.
Coding change: c.338G>A on transcript NM_012210.4 (MANE Select); coding-DNA position 338, G replaced by A.
Protein change: p.Arg113Gln; replaces arginine 113 with glutamine.
Molecular consequence: missense variant. On other transcripts: intron variant (3).
Genome position (GRCh38, 1-based): chr9:116,698,080, G>A. VCF-style: chr9-116698080-G-A. GRCh37 (hg19) VCF-style: chr9-119460359-G-A.
Other names: c.338G>A, p.Arg113Gln (NM_001099679.2, NM_001379048.1, NM_001379049.1 and 1 more transcripts); c.2653+27691C>T (NM_014010.5); c.2794+27691C>T (NM_001365069.1); c.2806+27691C>T (NM_001365068.1); short protein forms R113Q.
Identifiers: ClinVar variation 2041739 (VCV002041739.3), dbSNP rs766267880, ClinGen allele CA5210949.